The following is an entry in ClinVar:

ClinVar aggregate classification (germline): Uncertain significance (1 of 4 stars; one submission).

Allele frequency attached by ClinVar (database versions not stated): gnomAD exomes below 0.00001.
gnomAD v4.1: 2 of 1,608,040 alleles (0.00012%); highest among the groups gnomAD compares: Non-Finnish European, 0.00017%; no homozygotes.

Submission:

Labcorp Genetics (formerly Invitae), Labcorp
Classification: Uncertain significance. Last evaluated: 2025-09-24. Review status: criteria provided, single submitter. Criteria: Invitae Variant Classification Sherloc (09022015). Collection method: clinical testing. Allele origin: germline.
Comment: This sequence change replaces alanine, which is neutral and non-polar, with threonine, which is neutral and polar, at codon 1126 of the ITGAM protein (p.Ala1126Thr). This variant is not present in population databases (gnomAD no frequency). This variant has not been reported in the literature in individuals affected with ITGAM-related conditions. ClinVar contains an entry for this variant (Variation ID: 1476446). An algorithm developed to predict the effect of missense changes on protein structure and function outputs the following: PolyPhen-2: "Benign". The threonine amino acid residue is found in multiple mammalian species, which suggests that this missense change does not adversely affect protein function. In summary, the available evidence is currently insufficient to determine the role of this variant in disease. Therefore, it has been classified as a Variant of Uncertain Significance.

NM_000632.4(ITGAM):c.3376G>A (p.Ala1126Thr)

Gene: ITGAM (integrin subunit alpha M; plus strand). Cytogenetic location: 16p11.2.
Variant type: single nucleotide variant.
Coding change: c.3376G>A on transcript NM_000632.4 (MANE Select); coding-DNA position 3376, G replaced by A.
Protein change: p.Ala1126Thr; replaces alanine 1126 with threonine.
Molecular consequence: missense variant.
Genome position (GRCh38, 1-based): chr16:31,331,264, G>A. VCF-style: chr16-31331264-G-A. GRCh37 (hg19) VCF-style: chr16-31342585-G-A.
Other names: c.3379G>A, p.Ala1127Thr (NM_001145808.2); short protein forms A1126T, A1127T.
Identifiers: ClinVar variation 1476446 (VCV001476446.8), dbSNP rs2080578843, ClinGen allele CA395706801.